The following is an entry in ClinVar:

NM_000548.5(TSC2):c.4433A>C (p.Asp1478Ala)

Gene: TSC2 (TSC complex subunit 2; plus strand). Cytogenetic location: 16p13.3.
Variant type: single nucleotide variant.
Coding change: c.4433A>C on transcript NM_000548.5 (MANE Select); coding-DNA position 4433, A replaced by C.
Protein change: p.Asp1478Ala; replaces aspartic acid 1478 with alanine.
Molecular consequence: missense variant.
Genome position (GRCh38, 1-based): chr16:2,084,655, A>C. VCF-style: chr16-2084655-A-C. GRCh37 (hg19) VCF-style: chr16-2134656-A-C.
Other names: c.4232A>C, p.Asp1411Ala (NM_001077183.3); c.4364A>C, p.Asp1455Ala (NM_001114382.3); c.4124A>C, p.Asp1375Ala (NM_001318827.2); c.4088A>C, p.Asp1363Ala (NM_001318829.2); c.3701A>C, p.Asp1234Ala (NM_001318831.2); c.4265A>C, p.Asp1422Ala (NM_001318832.2); c.4235A>C, p.Asp1412Ala (NM_001363528.2); c.4301A>C, p.Asp1434Ala (NM_001370404.1); and 2 more; short protein forms D1234A, D1363A, D1375A, D1411A, D1412A, D1422A, D1434A, D1435A.
Identifiers: ClinVar variation 1052237 (VCV001052237.10), dbSNP rs1596418447, ClinGen allele CA394302259.
Genomic context (GRCh38, chr16:2,084,655, plus strand): 5'-CCCGAGGTTACACCATCTCCGACTCGGCCCCATCACGCAGGGGCAAGAGAGTAGAGAGGG[A>C]CGCCTTAAAGAGCAGAGCCACAGCCTCCAATGCAGAGAAAGTGCCAGGCATCAACCCCAG-3'
Protein context (NP_000539.2, residues 1468-1488): PSRRGKRVER[Asp1478Ala]ALKSRATASN

ClinVar aggregate classification (germline): Uncertain significance. Review status: criteria provided, multiple submitters, no conflicts (2 of 4 stars). 2 submissions from 2 submitters: Uncertain significance (2). Last evaluated 2024-09-16.

Conditions:
Tuberous sclerosis 2 (TSC2). Identifiers: Orphanet 805, MedGen C1860707, MONDO:0013199, OMIM 613254.
Hereditary cancer-predisposing syndrome. Also called: Hereditary Cancer Syndrome; Tumor predisposition; Hereditary neoplastic syndrome; Neoplastic Syndromes, Hereditary. Identifiers: Orphanet 140162, MedGen C0027672, MeSH D009386, MONDO:0015356.

Allele frequency attached by ClinVar (database versions not stated): gnomAD exomes below 0.00001.
gnomAD v4.1: 1 of 1,599,122 alleles (0.000063%); highest among the groups gnomAD compares: Non-Finnish European, 0.000085%; no homozygotes.

Submissions (2):

Ambry Genetics
Classification: Uncertain significance for Hereditary cancer-predisposing syndrome. Last evaluated: 2024-09-16. Review status: criteria provided, single submitter. Criteria: Ambry Variant Classification Scheme 2023. Collection method: clinical testing. Allele origin: germline.
Comment: The p.D1478A variant (also known as c.4433A>C), located in coding exon 33 of the TSC2 gene, results from an A to C substitution at nucleotide position 4433. The aspartic acid at codon 1478 is replaced by alanine, an amino acid with dissimilar properties. This amino acid position is conserved. In addition, this alteration is predicted to be deleterious by in silico analysis. Based on the available evidence, the clinical significance of this variant remains unclear.

Labcorp Genetics (formerly Invitae), Labcorp
Classification: Uncertain significance for Tuberous sclerosis 2. Last evaluated: 2021-07-23. Review status: criteria provided, single submitter. Criteria: Invitae Variant Classification Sherloc (09022015). Collection method: clinical testing. Allele origin: germline.
Comment: In summary, the available evidence is currently insufficient to determine the role of this variant in disease. Therefore, it has been classified as a Variant of Uncertain Significance. Advanced modeling of protein sequence and biophysical properties (such as structural, functional, and spatial information, amino acid conservation, physicochemical variation, residue mobility, and thermodynamic stability) performed at Invitae indicates that this missense variant is not expected to disrupt TSC2 protein function. This variant has not been reported in the literature in individuals with TSC2-related conditions. This variant is not present in population databases (ExAC no frequency). This sequence change replaces aspartic acid with alanine at codon 1478 of the TSC2 protein (p.Asp1478Ala). The aspartic acid residue is highly conserved and there is a moderate physicochemical difference between aspartic acid and alanine.